The following is an entry in ClinVar:

NM_002473.6(MYH9):c.1519G>A (p.Asp507Asn)

Gene: MYH9 (myosin heavy chain 9; minus strand). Cytogenetic location: 22q12.3.
Variant type: single nucleotide variant.
Coding change: c.1519G>A on transcript NM_002473.6 (MANE Select); coding-DNA position 1519, G replaced by A.
Protein change: p.Asp507Asn; replaces aspartic acid 507 with asparagine.
Molecular consequence: missense variant.
Genome position (GRCh38, 1-based): chr22:36,314,180, C>T on the plus strand (G>A on the coding strand, the complement: MYH9 is on the minus strand). VCF-style: chr22-36314180-C-T. GRCh37 (hg19) VCF-style: chr22-36710225-C-T.
Other names: c.1519G>A (NM_002473.5); short protein forms D507N.
Identifiers: ClinVar variation 809358 (VCV000809358.53), dbSNP rs377410439, ClinGen allele CA10210266.

ClinVar aggregate classification (germline): Uncertain significance. Review status: criteria provided, multiple submitters, no conflicts (2 of 4 stars). 6 submissions from 6 submitters: Uncertain significance (6). Last evaluated 2026-09-16.

Conditions:
MYH9-related disorder. Identifiers: MedGen C1854520.
Autosomal dominant nonsyndromic hearing loss 17. Also called: Autosomal dominant nonsyndromic deafness 17; Deafness, autosomal dominant 17. Identifiers: Orphanet 90635, MedGen C1863659, MONDO:0011350, OMIM 603622.
Macrothrombocytopenia and granulocyte inclusions with or without nephritis or sensorineural hearing loss (MATINS). Also called: MAY-HEGGLIN ANOMALY; SEBASTIAN PLATELET SYNDROME; MACROTHROMBOCYTOPENIA WITH DISPERSED LEUKOCYTIC INCLUSIONS; MACROTHROMBOCYTOPENIA, NEPHRITIS, AND DEAFNESS; MACROTHROMBOCYTOPENIA, NEPHRITIS, DEAFNESS, AND LEUKOCYTE INCLUSIONS; ALPORT SYNDROME WITH MACROTHROMBOCYTOPENIA. Identifiers: Orphanet 182050, MedGen C5200934, MONDO:0015912, OMIM 155100.

Allele frequency attached by ClinVar (database versions not stated): gnomAD 0.00003; gnomAD exomes 0.00003 and 0.00004; TOPMed 0.00003; ExAC 0.00006; ESP Exome Variant Server 0.00008.
gnomAD v4.1: 50 of 1,614,090 alleles (0.0031%); highest among the groups gnomAD compares: Non-Finnish European, 0.0042%; no homozygotes.

Submissions (6):

PreventionGenetics, part of Exact Sciences
Classification: Uncertain significance for MYH9-related condition. Last evaluated: 2026-09-16. Review status: criteria provided, single submitter. Criteria: ACMG Guidelines, 2015. Collection method: clinical testing. Allele origin: germline.
Comment: The MYH9 c.1519G>A variant is predicted to result in the amino acid substitution p.Asp507Asn. This variant has been reported in a patient and a control in a report of variants found in a cohort study with germline and somatic variants in ovarian cancer (Kanchi et al. 2014. PubMed ID: 24448499). This variant is reported in 0.010% of alleles in individuals of European (Non-Finnish) descent in gnomAD. Although we suspect that this variant may be benign, at this time, the clinical significance of this variant is uncertain due to the absence of conclusive functional and genetic evidence.

Labcorp Genetics (formerly Invitae), Labcorp
Classification: Uncertain significance. Last evaluated: 2025-12-16. Review status: criteria provided, single submitter. Criteria: Invitae Variant Classification Sherloc (09022015). Collection method: clinical testing. Allele origin: germline.
Comment: This sequence change replaces aspartic acid, which is acidic and polar, with asparagine, which is neutral and polar, at codon 507 of the MYH9 protein (p.Asp507Asn). This variant is present in population databases (rs377410439, gnomAD 0.01%). This variant has not been reported in the literature in individuals affected with MYH9-related conditions. ClinVar contains an entry for this variant (Variation ID: 809358). Invitae Evidence Modeling of protein sequence and biophysical properties (such as structural, functional, and spatial information, amino acid conservation, physicochemical variation, residue mobility, and thermodynamic stability) indicates that this missense variant is not expected to disrupt MYH9 protein function with a negative predictive value of 80%. In summary, the available evidence is currently insufficient to determine the role of this variant in disease. Therefore, it has been classified as a Variant of Uncertain Significance.

Fulgent Genetics
Classification: Uncertain significance for Macrothrombocytopenia and granulocyte inclusions with or without nephritis or sensorineural hearing loss; Autosomal dominant nonsyndromic hearing loss 17. Last evaluated: 2024-05-09. Review status: criteria provided, single submitter. Criteria: ACMG Guidelines, 2015. Collection method: clinical testing. Allele origin: germline.

GeneDx
Classification: Uncertain significance. Last evaluated: 2021-03-12. Review status: criteria provided, single submitter. Criteria: GeneDx Variant Classification Process June 2021. Collection method: clinical testing. Allele origin: germline. Affected: yes.
Comment: In silico analysis supports that this missense variant has a deleterious effect on protein structure/function; Has not been previously published in association with hearing loss as pathogenic or benign to our knowledge; This variant is associated with the following publications: (PMID: 24448499)

CeGaT Center for Human Genetics Tuebingen
Classification: Uncertain significance. Last evaluated: 2017-12-01. Review status: criteria provided, single submitter. Criteria: CeGaT Center For Human Genetics Tuebingen Variant Classification Criteria Version 2. Collection method: clinical testing. Allele origin: germline. Affected: yes. Observed: 1 variant allele.

Breakthrough Genomics
Classification: Uncertain significance. Review status: criteria provided, single submitter. Criteria: ACMG Guidelines, 2015. Collection method: not provided. Allele origin: germline. Inheritance: Autosomal dominant inheritance. Affected: yes.